The following is an entry in ClinVar:

ClinVar aggregate classification (germline): Likely benign. Review status: criteria provided, single submitter (1 of 4 stars). 2 submissions from 2 submitters: Likely benign (1). 1 of the submissions does not count toward it. Last evaluated 2023-11-01.

Conditions:
BLK-related disorder. Also called: BLK-related condition.

gnomAD v4.1: 17 of 1,614,138 alleles (0.0011%); highest among the groups gnomAD compares: Middle Eastern, 0.033%; no homozygotes.

Submissions (2):

Blueprint Genetics
Classification: Likely benign. Last evaluated: 2023-11-01. Review status: criteria provided, single submitter. Criteria: ACMG Guidelines, 2015. Collection method: clinical testing. Allele origin: germline.

PreventionGenetics, part of Exact Sciences
Classification: Likely benign for BLK-related condition. Last evaluated: 2024-08-14. Review status: no assertion criteria provided. Collection method: clinical testing. Allele origin: germline. Not counted in ClinVar's aggregate classification.
Comment: This variant is classified as likely benign based on ACMG/AMP sequence variant interpretation guidelines (Richards et al. 2015 PMID: 25741868, with internal and published modifications).

NM_001715.3(BLK):c.1209C>T (p.Ala403=)

Gene: BLK (BLK proto-oncogene, Src family tyrosine kinase). Cytogenetic location: 8p23.1.
Variant type: single nucleotide variant.
Coding change: c.1209C>T on transcript NM_001715.3 (MANE Select); coding-DNA position 1209, C replaced by T.
Protein change: p.Ala403=; no amino-acid change (alanine 403 retained).
Molecular consequence: synonymous variant.
Genome position (GRCh38, 1-based): chr8:11,563,007, C>T. VCF-style: chr8-11563007-C-T. GRCh37 (hg19) VCF-style: chr8-11420516-C-T.
Other names: c.996C>T, p.Ala332= (NM_001330465.2).
Identifiers: ClinVar variation 3352774 (VCV003352774.2).